The following is an entry in ClinVar:

ClinVar aggregate classification (germline): Uncertain significance (1 of 4 stars; one submission).

gnomAD v4.1: 1 of 1,614,016 alleles (0.000062%); highest among the groups gnomAD compares: Admixed American, 0.0017%; no homozygotes.

Submission:

Labcorp Genetics (formerly Invitae), Labcorp
Classification: Uncertain significance. Last evaluated: 2024-03-02. Review status: criteria provided, single submitter. Criteria: Invitae Variant Classification Sherloc (09022015). Collection method: clinical testing. Allele origin: germline.
Comment: This sequence change disrupts the translational stop signal of the TGM6 mRNA. It is expected to extend the length of the TGM6 protein by 6 additional amino acid residues. This variant is not present in population databases (gnomAD no frequency). This variant has not been reported in the literature in individuals affected with TGM6-related conditions. Experimental studies and prediction algorithms are not available or were not evaluated, and the functional significance of this variant is currently unknown. In summary, the available evidence is currently insufficient to determine the role of this variant in disease. Therefore, it has been classified as a Variant of Uncertain Significance.

NM_198994.3(TGM6):c.2121A>C (p.Ter707Cys)

Gene: TGM6 (transglutaminase 6; plus strand). Cytogenetic location: 20p13.
Variant type: single nucleotide variant.
Coding change: c.2121A>C on transcript NM_198994.3 (MANE Select); coding-DNA position 2121, A replaced by C.
Protein change: p.Ter707Cys.
Molecular consequence: stop lost. On other transcripts: 3 prime UTR variant (1).
Genome position (GRCh38, 1-based): chr20:2,432,643, A>C. VCF-style: chr20-2432643-A-C. GRCh37 (hg19) VCF-style: chr20-2413289-A-C.
Other names: c.*109A>C (NM_001254734.2).
Identifiers: ClinVar variation 3615665 (VCV003615665.2).